The following is an entry in ClinVar:

NM_001098.3(ACO2):c.1169A>T (p.Tyr390Phe)

Gene: ACO2 (aconitase 2; plus strand). Cytogenetic location: 22q13.2.
Variant type: single nucleotide variant.
Coding change: c.1169A>T on transcript NM_001098.3 (MANE Select); coding-DNA position 1169, A replaced by T.
Protein change: p.Tyr390Phe; replaces tyrosine 390 with phenylalanine.
Molecular consequence: missense variant.
Genome position (GRCh38, 1-based): chr22:41,522,860, A>T. VCF-style: chr22-41522860-A-T. GRCh37 (hg19) VCF-style: chr22-41918864-A-T.
Other names: short protein forms Y390F.
Identifiers: ClinVar variation 1480370 (VCV001480370.8), dbSNP rs1163341482, ClinGen allele CA411724689.

ClinVar aggregate classification (germline): Uncertain significance (1 of 4 stars; one submission).

Allele frequency attached by ClinVar (database versions not stated): gnomAD 0.00001; gnomAD exomes 0.00001.
gnomAD v4.1: 5 of 1,614,108 alleles (0.00031%); highest among the groups gnomAD compares: Admixed American, 0.0083%; no homozygotes.

Submission:

Labcorp Genetics (formerly Invitae), Labcorp
Classification: Uncertain significance. Last evaluated: 2025-09-08. Review status: criteria provided, single submitter. Criteria: Invitae Variant Classification Sherloc (09022015). Collection method: clinical testing. Allele origin: germline.
Comment: This sequence change replaces tyrosine, which is neutral and polar, with phenylalanine, which is neutral and non-polar, at codon 390 of the ACO2 protein (p.Tyr390Phe). This variant is present in population databases (no rsID available, gnomAD 0.009%). This variant has not been reported in the literature in individuals affected with ACO2-related conditions. ClinVar contains an entry for this variant (Variation ID: 1480370). Invitae Evidence Modeling of protein sequence and biophysical properties (such as structural, functional, and spatial information, amino acid conservation, physicochemical variation, residue mobility, and thermodynamic stability) indicates that this missense variant is not expected to disrupt ACO2 protein function with a negative predictive value of 80%. In summary, the available evidence is currently insufficient to determine the role of this variant in disease. Therefore, it has been classified as a Variant of Uncertain Significance.